The following is an entry in ClinVar:

ClinVar aggregate classification (germline): Uncertain significance. Review status: criteria provided, multiple submitters, no conflicts (2 of 4 stars). 2 submissions from 2 submitters: Uncertain significance (2). Last evaluated 2025-10-22.

Conditions:
Autosomal dominant limb-girdle muscular dystrophy type 1G (LGMDD3). Also called: Limb-girdle muscular dystrophy, type 1G; MUSCULAR DYSTROPHY, LIMB-GIRDLE, AUTOSOMAL DOMINANT 3. Identifiers: Orphanet 55596, MedGen C1836765, MONDO:0012193, OMIM 609115.

Allele frequency attached by ClinVar (database versions not stated): gnomAD 0.00002; ExAC 0.00003; TOPMed 0.00008.
gnomAD v4.1: 13 of 1,613,364 alleles (0.00081%); highest among the groups gnomAD compares: African/African-American, 0.0067%; no homozygotes.

Submissions (2):

Ambry Genetics
Classification: Uncertain significance. Last evaluated: 2025-10-22. Review status: criteria provided, single submitter. Criteria: Ambry Variant Classification Scheme 2023. Collection method: clinical testing. Allele origin: germline.

Labcorp Genetics (formerly Invitae), Labcorp
Classification: Uncertain significance for Autosomal dominant limb-girdle muscular dystrophy type 1G. Last evaluated: 2022-08-04. Review status: criteria provided, single submitter. Criteria: Invitae Variant Classification Sherloc (09022015). Collection method: clinical testing. Allele origin: germline.
Comment: This variant is present in population databases (rs767281029, gnomAD 0.004%). This variant has not been reported in the literature in individuals affected with HNRNPDL-related conditions. Algorithms developed to predict the effect of missense changes on protein structure and function output the following: SIFT: "Deleterious"; PolyPhen-2: "Possibly Damaging"; Align-GVGD: "Class C0". The threonine amino acid residue is found in multiple mammalian species, which suggests that this missense change does not adversely affect protein function. In summary, the available evidence is currently insufficient to determine the role of this variant in disease. Therefore, it has been classified as a Variant of Uncertain Significance. This sequence change replaces alanine, which is neutral and non-polar, with threonine, which is neutral and polar, at codon 103 of the HNRNPDL protein (p.Ala103Thr).

NM_031372.4(HNRNPDL):c.307G>A (p.Ala103Thr)

Gene: HNRNPDL (heterogeneous nuclear ribonucleoprotein D like; minus strand). Cytogenetic location: 4q21.22.
Variant type: single nucleotide variant.
Coding change: c.307G>A on transcript NM_031372.4 (MANE Select); coding-DNA position 307, G replaced by A.
Protein change: p.Ala103Thr; replaces alanine 103 with threonine.
Molecular consequence: missense variant. On other transcripts: non-coding transcript variant (1).
Genome position (GRCh38, 1-based): chr4:82,429,384, C>T on the plus strand (G>A on the coding strand, the complement: HNRNPDL is on the minus strand). VCF-style: chr4-82429384-C-T. GRCh37 (hg19) VCF-style: chr4-83350537-C-T.
Other names: c.307G>A (NM_031372.3); c.307G>A, p.Ala103Thr (NM_001207000.1); short protein forms A103T.
Identifiers: ClinVar variation 2079122 (VCV002079122.5), dbSNP rs767281029, ClinGen allele CA2985064.